The following is an entry in ClinVar:

NM_000377.3(WAS):c.39_40delinsCC (p.Gly14Arg)

Gene: WAS (WASP actin nucleation promoting factor; plus strand). Cytogenetic location: Xp11.23.
Variant type: Indel.
Coding change: c.39_40delinsCC on transcript NM_000377.3 (MANE Select); coding-DNA positions 39 to 40, AG replaced by CC.
Protein change: p.Gly14Arg; replaces glycine 14 with arginine.
Molecular consequence: missense variant.
Genome position (GRCh38, 1-based): chrX:48,683,892-48,683,893, AG replaced by CC. VCF-style: chrX-48683892-AG-CC. GRCh37 (hg19) VCF-style: chrX-48542281-AG-CC.
Other names: short protein forms G14R.
Identifiers: ClinVar variation 135408 (VCV000135408.5), dbSNP rs797044476, ClinGen allele CA162669.

ClinVar aggregate classification (germline): Uncertain significance. Review status: criteria provided, multiple submitters, no conflicts (2 of 4 stars). 3 submissions from 3 submitters: Uncertain significance (2). 1 of the submissions does not count toward it. Last evaluated 2022-04-29.

Conditions:
Thrombocytopenia 1. Also called: X-linked thrombocytopenia with normal platelets; X-Linked Thrombocytopenia (XLT); THROMBOCYTOPENIA, X-LINKED, 1. Identifiers: Orphanet 268322, Orphanet 852, MedGen C1839163, MONDO:0010743, OMIM 313900.
Wiskott-Aldrich syndrome (WAS). Also called: ALDRICH SYNDROME; IMMUNODEFICIENCY 2; Wiskott-aldrich syndrome, somatic; WISKOTT-ALDRICH SYNDROME 1. Identifiers: Orphanet 906, MedGen C0043194, MONDO:0010518, OMIM 301000.
X-linked severe congenital neutropenia (SCNX). Identifiers: Orphanet 86788, MedGen C1845987, MONDO:0010294, OMIM 300299.

Submissions (3):

Fulgent Genetics
Classification: Uncertain significance for X-linked severe congenital neutropenia; Wiskott-Aldrich syndrome; Thrombocytopenia 1. Last evaluated: 2022-04-29. Review status: criteria provided, single submitter. Criteria: ACMG Guidelines, 2015. Collection method: clinical testing. Allele origin: unknown.

Labcorp Genetics (formerly Invitae), Labcorp
Classification: Uncertain significance for Wiskott-Aldrich syndrome; X-linked severe congenital neutropenia; Thrombocytopenia 1. Last evaluated: 2021-10-20. Review status: criteria provided, single submitter. Criteria: Invitae Variant Classification Sherloc (09022015). Collection method: clinical testing. Allele origin: germline.
Comment: This sequence change replaces glycine with arginine at codon 14 of the WAS protein (p.Gly14Arg). The glycine residue is moderately conserved and there is a moderate physicochemical difference between glycine and arginine. The frequency data for this variant in the population databases is not available, as this variant may be reported as separate entries in the ExAC database. This variant has not been reported in the literature in individuals affected with WAS-related conditions. ClinVar contains an entry for this variant (Variation ID: 135408). Experimental studies and prediction algorithms are not available or were not evaluated, and the functional significance of this variant is currently unknown. In summary, the available evidence is currently insufficient to determine the role of this variant in disease. Therefore, it has been classified as a Variant of Uncertain Significance.

ITMI
No classification provided. Condition: AllHighlyPenetrant. Last evaluated: 2013-09-19. Review status: no classification provided. Collection method: reference population. Allele origin: germline. Not counted in ClinVar's aggregate classification.
Comment: Please see associated publication for description of ethnicities

Literature cited by the submitters: PubMed 24728327 (cited by ITMI).